The following is an entry in ClinVar:

NM_173651.4(FSIP2):c.9810A>G (p.Leu3270=)

Genes: FSIP2 (fibrous sheath interacting protein 2; plus strand), FSIP2-AS1 (FSIP2 antisense RNA 1; minus strand). Cytogenetic location: 2q32.1.
Variant type: single nucleotide variant.
Coding change: c.9810A>G on transcript NM_173651.4 (MANE Select); coding-DNA position 9810, A replaced by G.
Protein change: p.Leu3270=; no amino-acid change (leucine 3270 retained).
Molecular consequence: synonymous variant.
Genome position (GRCh38, 1-based): chr2:185,796,946, A>G. VCF-style: chr2-185796946-A-G. GRCh37 (hg19) VCF-style: chr2-186661673-A-G.
Identifiers: ClinVar variation 3060809 (VCV003060809.2), dbSNP rs55938253, ClinGen allele CA2016882.
Genomic context (GRCh38, chr2:185,796,946, plus strand): 5'-CTTTGGTAGTTTTGATCAGACCATGAAAGGAAATAGCTACCTCCCTGAAGGCAGTTTCTT[A>G]CAAAAGCTGCTTAGGAAAGCAAGTGACTCCACAGAAGCAGCATTAAAGCAAGTCTTGTCA-3'
Protein context (NP_775922.3, residues 3260-3280): GNSYLPEGSF[Leu3270=]QKLLRKASDS

ClinVar aggregate classification (germline): Benign (0 of 4 stars; one submission).

Conditions:
FSIP2-related disorder. Also called: FSIP2-related condition.

Allele frequency attached by ClinVar (database versions not stated): TOPMed 0.53218; 1000 Genomes Project 30x 0.53904; 1000 Genomes Project 0.54054; gnomAD exomes 0.54241; gnomAD 0.54442; ExAC 0.58867.
gnomAD v4.1: 832,242 of 1,534,162 alleles (54%); highest among the groups gnomAD compares: South Asian, 64%; 227,239 homozygotes.

Submission:

PreventionGenetics, part of Exact Sciences
Classification: Benign for FSIP2-related condition. Last evaluated: 2019-10-17. Review status: no assertion criteria provided. Collection method: clinical testing. Allele origin: germline.
Comment: This variant is classified as benign based on ACMG/AMP sequence variant interpretation guidelines (Richards et al. 2015 PMID: 25741868, with internal and published modifications).